The following is an entry in ClinVar:

ClinVar aggregate classification (germline): Uncertain significance (1 of 4 stars; one submission).

Conditions:
ACTN1-related disorder. Also called: ACTN1-related condition.

Submission:

PreventionGenetics, part of Exact Sciences
Classification: Uncertain significance for ACTN1-related condition. Last evaluated: 2025-09-08. Review status: criteria provided, single submitter. Criteria: ACMG Guidelines, 2015. Collection method: clinical testing. Allele origin: germline.
Comment: The ACTN1 c.115G>A variant is predicted to result in the amino acid substitution p.Ala39Thr. To our knowledge, this variant has not been reported in the literature or in a large population database (gnomAD), indicating this variant is rare. At this time, the clinical significance of this variant is uncertain due to the absence of conclusive functional and genetic evidence.

NM_001130004.2(ACTN1):c.115G>A (p.Ala39Thr)

Gene: ACTN1 (actinin alpha 1; minus strand). Cytogenetic location: 14q24.1.
Variant type: single nucleotide variant.
Coding change: c.115G>A on transcript NM_001130004.2 (MANE Select); coding-DNA position 115, G replaced by A.
Protein change: p.Ala39Thr; replaces alanine 39 with threonine.
Molecular consequence: missense variant. On other transcripts: 5 prime UTR variant (4).
Genome position (GRCh38, 1-based): chr14:68,925,663, C>T on the plus strand (G>A on the coding strand, the complement: ACTN1 is on the minus strand). VCF-style: chr14-68925663-C-T. GRCh37 (hg19) VCF-style: chr14-69392380-C-T.
Other names: c.115G>A, p.Ala39Thr (NM_001102.4, NM_001130005.2, NM_001411035.1 and 10 more transcripts); c.-81G>A (NM_001411036.1, NM_001424026.1, NM_001424028.1); c.202G>A, p.Ala68Thr (NM_001424015.1); c.112G>A, p.Ala38Thr (NM_001424017.1); c.52G>A, p.Ala18Thr (NM_001424018.1, NM_001424020.1, NM_001424022.1); c.46G>A, p.Ala16Thr (NM_001424021.1); c.-796G>A (NM_001424030.1); short protein forms A39T, A16T, A18T, A38T, A68T.
Identifiers: ClinVar variation 4993788 (VCV004993788.1).